The following is an entry in ClinVar:

NM_000521.4(HEXB):c.115del (p.Val39fs)

Gene: HEXB (hexosaminidase subunit beta; plus strand). Cytogenetic location: 5q13.3.
Variant type: Deletion.
Coding change: c.115del on transcript NM_000521.4 (MANE Select); coding-DNA position 115, one base deleted (G; older notation c.115delG).
Protein change: p.Val39fs; shifts the reading frame from valine 39.
Molecular consequence: frameshift variant. On other transcripts: intron variant (1).
Genome position (GRCh38, 1-based): chr5:74,685,375, G deleted; the last of 2 consecutive G bases (chr5:74,685,374-74,685,375); deleting either gives the same sequence. VCF-style (leftmost placement, unchanged base first): chr5-74685373-AG-A. GRCh37 (hg19) VCF-style: chr5-73981198-AG-A.
Other names: p.Val39Trpfs*25; c.115delG (NM_000521.4); c.115del (NM_000521.3); c.-376-3953del (NM_001292004.2); short protein forms V39fs.
Identifiers: ClinVar variation 93194 (VCV000093194.24), dbSNP rs398123443, ClinGen allele CA200321.

ClinVar aggregate classification (germline): Pathogenic. Review status: criteria provided, multiple submitters, no conflicts (2 of 4 stars). 11 submissions from 11 submitters: Pathogenic (10). 1 of the submissions does not count toward it. Last evaluated 2026-09-22.

Conditions:
HEXB-related disorder. Also called: HEXB-related condition.
Sandhoff disease. Also called: GM2-GANGLIOSIDOSIS, TYPE II; HEXOSAMINIDASES A AND B DEFICIENCY; Beta-hexosaminidase-beta-subunit deficiency; GM2 gangliosidosis, type 2; Total hexosaminidase deficiency; Sandhoff-Jatzkewitz-Pilz disease. Identifiers: Orphanet 796, MedGen C0036161, MONDO:0010006, OMIM 268800.
HEXB-related disorders.

Submissions (11):

GeneDx
Classification: Pathogenic. Last evaluated: 2026-09-22. Review status: criteria provided, single submitter. Criteria: GeneDx Variant Classification Process June 2021. Collection method: clinical testing. Allele origin: germline.
Comment: Frameshift variant predicted to result in protein truncation or nonsense mediated decay in a gene for which loss of function is a known mechanism of disease; Not observed at significant frequency in large population cohorts (gnomAD); This variant is associated with the following publications: (PMID: 31980526, 23046579, 22191674, 29448188, 24461908)

PreventionGenetics, part of Exact Sciences
Classification: Pathogenic for HEXB-related condition. Last evaluated: 2025-06-26. Review status: criteria provided, single submitter. Criteria: ACMG Guidelines, 2015. Collection method: clinical testing. Allele origin: germline.
Comment: The HEXB c.115delG variant is predicted to result in a frameshift and premature protein termination (p.Val39Trpfs*25). This variant has been reported in the homozygous state in several individuals with Sandhoff disease (Fitterer et al. 2012. PubMed ID: 22191674). This variant is reported in 0.0024% of alleles in individuals of European (non-Finnish) descent in gnomAD. Frameshift variants in HEXB are expected to be pathogenic. This variant is interpreted as pathogenic.

Natera, Inc.
Classification: Pathogenic for Sandhoff disease. Last evaluated: 2025-06-12. Review status: criteria provided, single submitter. Criteria: Natera Variant Classification Schema (03/2026). Collection method: clinical testing. Allele origin: germline.
Comment: The c.115delG variant in HEXB is a frameshift variant predicted to shift the reading frame beginning at codon 39 and leads to a stop codon 25 codons downstream. This variant is expected to result in nonsense mediated decay, truncation, or a dysfunctional protein product. This variant is rare in the general population with a frequency below the threshold expected for the associated phenotype(s). This variant has been observed in one or more individuals affected with the associated recessive disease, as either homozygous or compound heterozygous with a second variant (PMID: 24461908, 23046579). Given the available evidence, this variant is classified as Pathogenic.

Blueprint Genetics
Classification: Pathogenic for HEXB-related disorders. Last evaluated: 2024-06-06. Review status: criteria provided, single submitter. Criteria: ACMG Guidelines, 2015. Collection method: clinical testing. Allele origin: germline. Affected: yes. Observed: 4 variant alleles.

Labcorp Genetics (formerly Invitae), Labcorp
Classification: Pathogenic for Sandhoff disease. Last evaluated: 2024-01-28. Review status: criteria provided, single submitter. Criteria: Invitae Variant Classification Sherloc (09022015). Collection method: clinical testing. Allele origin: germline.
Comment: This sequence change creates a premature translational stop signal (p.Val39Trpfs*25) in the HEXB gene. It is expected to result in an absent or disrupted protein product. Loss-of-function variants in HEXB are known to be pathogenic (PMID: 7550345, 18758829). This variant is present in population databases (rs398123443, gnomAD 0.002%). This premature translational stop signal has been observed in individuals with Sandhoff disease (PMID: 22191674, 23046579, 24461908). ClinVar contains an entry for this variant (Variation ID: 93194). For these reasons, this variant has been classified as Pathogenic.

Mayo Clinic Laboratories, Mayo Clinic
Classification: Pathogenic. Last evaluated: 2023-05-10. Review status: criteria provided, single submitter. Criteria: ACMG Guidelines, 2015. Collection method: clinical testing. Allele origin: germline. Observed: 1 variant allele.
Comment: PP4, PM2, PM3, PVS1

Fulgent Genetics
Classification: Pathogenic for Sandhoff disease. Last evaluated: 2022-05-13. Review status: criteria provided, single submitter. Criteria: ACMG Guidelines, 2015. Collection method: clinical testing. Allele origin: unknown.

Women's Health and Genetics/Laboratory Corporation of America, LabCorp
Classification: Pathogenic for Sandhoff disease. Last evaluated: 2019-01-08. Review status: criteria provided, single submitter. Criteria: LabCorp Variant Classification Summary - May 2015. Collection method: clinical testing. Allele origin: germline.
Comment: Variant summary: HEXB c.115delG (p.Val39TrpfsX25) results in a premature termination codon, predicted to cause a truncation of the encoded protein or absence of the protein due to nonsense mediated decay, which are commonly known mechanisms for disease. The variant allele was found at a frequency of 1e-05 in 193790 control chromosomes (gnomAD). c.115delG has been reported in the literature in multiple individuals affected with Sandhoff Disease (Fitterer_2012, Gaignard_2013). These data indicate that the variant is very likely to be associated with disease. No clinical diagnostic laboratories have submitted clinical-significance assessments for this variant to ClinVar after 2014. Based on the evidence outlined above, the variant was classified as pathogenic.

Eurofins Ntd Llc (ga)
Classification: Pathogenic. Last evaluated: 2014-10-01. Review status: criteria provided, single submitter. Criteria: EGL Classification Definitions. Collection method: clinical testing. Allele origin: germline. Observed: 10 variant alleles, 9 heterozygotes, 1 homozygote.

Baylor Genetics
Classification: Pathogenic for Sandhoff disease. Review status: criteria provided, single submitter. Criteria: ACMG Guidelines, 2015. Collection method: clinical testing. Allele origin: germline.

Department of Pathology and Laboratory Medicine, Sinai Health System
Classification: Likely pathogenic. Review status: no assertion criteria provided. Collection method: clinical testing. Allele origin: unknown. Affected: yes. Study: The Canadian Open Genetics Repository (COGR). Not counted in ClinVar's aggregate classification.

Literature cited by the submitters: PubMed 24461908 (cited by 3 submitters); PubMed 23046579 (cited by 4 submitters); PubMed 7550345 (cited by Labcorp Genetics (formerly Invitae), Labcorp); PubMed 18758829 (cited by Labcorp Genetics (formerly Invitae), Labcorp); PubMed 22191674 (cited by 3 submitters).